The following is an entry in ClinVar:

NM_130839.5(UBE3A):c.988_989delinsTT (p.Ala330Leu)

Genes: SNHG14 (small nucleolar RNA host gene 14; plus strand), UBE3A (ubiquitin protein ligase E3A; minus strand). Cytogenetic location: 15q11.2.
Variant type: Indel.
Coding change: c.988_989delinsTT on transcript NM_130839.5 (MANE Select); coding-DNA positions 988 to 989, GC replaced by TT.
Protein change: p.Ala330Leu; replaces alanine 330 with leucine.
Molecular consequence: missense variant. On other transcripts: non-coding transcript variant (1), intron variant (2).
Genome position (GRCh38, 1-based): chr15:25,371,185-25,371,186, GC replaced by AA on the plus strand (GC replaced by TT on the coding strand, the reverse complement: UBE3A is on the minus strand). VCF-style: chr15-25371185-GC-AA. GRCh37 (hg19) VCF-style: chr15-25616332-GC-AA.
Other names: c.997_998delinsTT, p.Ala333Leu (NM_000462.5); c.988_989delinsTT, p.Ala330Leu (NM_001354505.1, NM_001354538.2, NM_001354545.2); c.928_929delinsTT, p.Ala310Leu (NM_001354506.2, NM_001354507.2, NM_001354508.2 and 17 more transcripts); c.811_812delinsTT, p.Ala271Leu (NM_001354546.2); c.301+4279_301+4280delinsTT (NM_001354551.2); c.361+4279_361+4280delinsTT (NM_001354550.2); short protein forms A271L, A310L, A330L, A333L.
Identifiers: ClinVar variation 1207708 (VCV001207708.4), dbSNP rs2152821892, ClinGen allele CA2499222857.

ClinVar aggregate classification (germline): Uncertain significance. Review status: criteria provided, multiple submitters, no conflicts (2 of 4 stars). 2 submissions from 2 submitters: Uncertain significance (2). Last evaluated 2025-08-08.

Conditions:
Angelman syndrome (AS). Also called: HAPPY PUPPET SYNDROME. Identifiers: Orphanet 72, MedGen C0162635, MONDO:0007113, OMIM 105830. Disease mechanism: loss of function. Inheritance: AS is caused by disruption of maternally imprinted UBE3A located within the 15q11.2-q13 Angelman syndrome/Prader-Willi syndrome (AS/PWS) region., imprinting disorder.

Submissions (2):

Labcorp Genetics (formerly Invitae), Labcorp
Classification: Uncertain significance for Angelman syndrome. Last evaluated: 2025-08-08. Review status: criteria provided, single submitter. Criteria: Invitae Variant Classification Sherloc (09022015). Collection method: clinical testing. Allele origin: germline.
Comment: This sequence change replaces alanine, which is neutral and non-polar, with leucine, which is neutral and non-polar, at codon 310 of the UBE3A protein (p.Ala310Leu). Information on the frequency of this variant in the gnomAD database is not available, as this variant may be reported differently in the database. This variant has not been reported in the literature in individuals affected with UBE3A-related conditions. ClinVar contains an entry for this variant (Variation ID: 1207708). An algorithm developed to predict the effect of missense changes on protein structure and function (PolyPhen-2) suggests that this variant is likely to be tolerated. In summary, the available evidence is currently insufficient to determine the role of this variant in disease. Therefore, it has been classified as a Variant of Uncertain Significance.

GeneDx
Classification: Uncertain significance. Last evaluated: 2020-06-05. Review status: criteria provided, single submitter. Criteria: GeneDx Variant Classification Process June 2021. Collection method: clinical testing. Allele origin: germline. Affected: yes.
Comment: Not observed in large population cohorts (Lek et al., 2016); In silico analysis, which includes protein predictors and evolutionary conservation, supports that this variant does not alter protein structure/function; Has not been previously published as pathogenic or benign to our knowledge